The following is an entry in ClinVar:

ClinVar aggregate classification (germline): Uncertain significance (1 of 4 stars; one submission).

gnomAD v4.1: 1 of 1,614,080 alleles (0.000062%); highest among the groups gnomAD compares: East Asian, 0.0022%; no homozygotes.

Submission:

Labcorp Genetics (formerly Invitae), Labcorp
Classification: Uncertain significance. Last evaluated: 2025-12-11. Review status: criteria provided, single submitter. Criteria: Invitae Variant Classification Sherloc (09022015). Collection method: clinical testing. Allele origin: germline.
Comment: This sequence change replaces alanine, which is neutral and non-polar, with threonine, which is neutral and polar, at codon 304 of the ARHGEF1 protein (p.Ala304Thr). This variant is not present in population databases (gnomAD no frequency). This variant has not been reported in the literature in individuals affected with ARHGEF1-related conditions. An algorithm developed to predict the effect of missense changes on protein structure and function outputs the following: PolyPhen-2: "Benign". The threonine amino acid residue is found in multiple mammalian species, which suggests that this missense change does not adversely affect protein function. In summary, the available evidence is currently insufficient to determine the role of this variant in disease. Therefore, it has been classified as a Variant of Uncertain Significance.

NM_004706.4(ARHGEF1):c.865G>A (p.Ala289Thr)

Gene: ARHGEF1 (Rho guanine nucleotide exchange factor 1; plus strand). Cytogenetic location: 19q13.2.
Variant type: single nucleotide variant.
Coding change: c.865G>A on transcript NM_004706.4 (MANE Select); coding-DNA position 865, G replaced by A.
Protein change: p.Ala289Thr; replaces alanine 289 with threonine.
Molecular consequence: missense variant. On other transcripts: non-coding transcript variant (2).
Genome position (GRCh38, 1-based): chr19:41,894,649, G>A. VCF-style: chr19-41894649-G-A. GRCh37 (hg19) VCF-style: chr19-42398722-G-A.
Other names: c.865G>A, p.Ala289Thr (NM_001396000.1, NM_001396003.1, NM_001396006.1); c.766G>A, p.Ala256Thr (NM_001396002.1, NM_001396004.1, NM_198977.2); c.910G>A, p.Ala304Thr (NM_199002.2); short protein forms A304T, A256T, A289T.
Identifiers: ClinVar variation 4768266 (VCV004768266.1).